The following is an entry in ClinVar:

ClinVar aggregate classification (germline): Uncertain significance. Review status: criteria provided, multiple submitters, no conflicts (2 of 4 stars). 7 submissions from 5 submitters: Uncertain significance (7). Last evaluated 2024-07-03.

Conditions:
Joubert syndrome. Also called: JOUBERT-BOLTSHAUSER SYNDROME; Familial aplasia of the vermis. Identifiers: Orphanet 475, MedGen C5979921, MONDO:0018772.
Meckel-Gruber syndrome. Also called: Dysencephalia splachnocystica; DYSENCEPHALIA SPLANCHNOCYSTICA; GRUBER SYNDROME. Identifiers: Orphanet 564, MedGen C0265215, MONDO:0018921.
Joubert syndrome 6 (JBTS6). Identifiers: Orphanet 475, MedGen C1853153, MONDO:0012539, OMIM 610688.
Nephronophthisis 11 (NPHP11). Identifiers: Orphanet 84081, MedGen C3150796, MONDO:0013302, OMIM 613550.
Meckel syndrome, type 3 (MKS3). Also called: MECKEL-GRUBER SYNDROME, TYPE 3. Identifiers: Orphanet 564, MedGen C1846357, MONDO:0011821, OMIM 607361.

Allele frequency attached by ClinVar (database versions not stated): ExAC 0.00001; gnomAD exomes 0.00002 and 0.00001; TOPMed 0.00002; gnomAD 0.00002; ESP Exome Variant Server 0.00008.
gnomAD v4.1: 34 of 1,596,592 alleles (0.0021%); highest among the groups gnomAD compares: Non-Finnish European, 0.0029%; no homozygotes.

Submissions (7):

GeneDx
Classification: Uncertain significance. Last evaluated: 2024-07-03. Review status: criteria provided, single submitter. Criteria: GeneDx Variant Classification Process June 2021. Collection method: clinical testing. Allele origin: germline. Affected: yes.
Comment: Not observed at significant frequency in large population cohorts (gnomAD); In silico analysis indicates that this missense variant does not alter protein structure/function; Has not been previously published as pathogenic or benign to our knowledge

Revvity Omics, Revvity
Classification: Uncertain significance. Last evaluated: 2023-09-01. Review status: criteria provided, single submitter. Criteria: ACMG Guidelines, 2015. Collection method: clinical testing. Allele origin: germline.

Labcorp Genetics (formerly Invitae), Labcorp
Classification: Uncertain significance for Joubert syndrome; Meckel-Gruber syndrome. Last evaluated: 2022-08-09. Review status: criteria provided, single submitter. Criteria: Invitae Variant Classification Sherloc (09022015). Collection method: clinical testing. Allele origin: germline.
Comment: This sequence change replaces lysine, which is basic and polar, with arginine, which is basic and polar, at codon 594 of the TMEM67 protein (p.Lys594Arg). This variant is present in population databases (rs142280651, gnomAD 0.003%). This variant has not been reported in the literature in individuals affected with TMEM67-related conditions. ClinVar contains an entry for this variant (Variation ID: 908168). Advanced modeling of protein sequence and biophysical properties (such as structural, functional, and spatial information, amino acid conservation, physicochemical variation, residue mobility, and thermodynamic stability) performed at Invitae indicates that this missense variant is not expected to disrupt TMEM67 protein function. In summary, the available evidence is currently insufficient to determine the role of this variant in disease. Therefore, it has been classified as a Variant of Uncertain Significance.

Blueprint Genetics
Classification: Uncertain significance. Last evaluated: 2021-11-19. Review status: criteria provided, single submitter. Criteria: ACMG Guidelines, 2015. Collection method: clinical testing. Allele origin: germline.

Illumina Laboratory Services, Illumina
Classification: Uncertain significance for Meckel syndrome, type 3. Last evaluated: 2018-01-13. Review status: criteria provided, single submitter. Criteria: ICSL Variant Classification Criteria 13 December 2019. Collection method: clinical testing. Allele origin: germline.

Illumina Laboratory Services, Illumina
Classification: Uncertain significance for Nephronophthisis 11. Last evaluated: 2018-01-13. Review status: criteria provided, single submitter. Criteria: ICSL Variant Classification Criteria 13 December 2019. Collection method: clinical testing. Allele origin: germline.

Illumina Laboratory Services, Illumina
Classification: Uncertain significance for Joubert syndrome 6. Last evaluated: 2018-01-13. Review status: criteria provided, single submitter. Criteria: ICSL Variant Classification Criteria 13 December 2019. Collection method: clinical testing. Allele origin: germline.

NM_153704.6(TMEM67):c.1781A>G (p.Lys594Arg)

Gene: TMEM67 (transmembrane protein 67; plus strand). Cytogenetic location: 8q22.1.
Variant type: single nucleotide variant.
Coding change: c.1781A>G on transcript NM_153704.6 (MANE Select); coding-DNA position 1781, A replaced by G.
Protein change: p.Lys594Arg; replaces lysine 594 with arginine.
Molecular consequence: missense variant. On other transcripts: non-coding transcript variant (1).
Genome position (GRCh38, 1-based): chr8:93,795,908, A>G. VCF-style: chr8-93795908-A-G. GRCh37 (hg19) VCF-style: chr8-94808136-A-G.
Other names: c.1538A>G, p.Lys513Arg (NM_001142301.1); short protein forms K513R, K594R.
Identifiers: ClinVar variation 908168 (VCV000908168.9), dbSNP rs142280651, ClinGen allele CA4808103.